The following is an entry in ClinVar:

ClinVar aggregate classification (germline): Likely benign (1 of 4 stars; one submission).

Allele frequency attached by ClinVar (database versions not stated): gnomAD exomes 0.00012; ESP Exome Variant Server 0.00115; ExAC 0.00118; gnomAD 0.00124; TOPMed 0.00143; 1000 Genomes Project 0.00180; 1000 Genomes Project 30x 0.00265.
gnomAD v4.1: 363 of 1,507,650 alleles (0.024%); highest among the groups gnomAD compares: African/African-American, 0.48%; 1 homozygote.

Submission:

CeGaT Center for Human Genetics Tuebingen
Classification: Likely benign. Last evaluated: 2022-03-01. Review status: criteria provided, single submitter. Criteria: CeGaT Center For Human Genetics Tuebingen Variant Classification Criteria Version 2. Collection method: clinical testing. Allele origin: germline. Affected: yes. Observed: 1 variant allele.
Comment: ATP9B: BP4, BP7

NM_198531.5(ATP9B):c.48C>T (p.Ala16=)

Gene: ATP9B (ATPase phospholipid transporting 9B; plus strand). Cytogenetic location: 18q23.
Variant type: single nucleotide variant.
Coding change: c.48C>T on transcript NM_198531.5 (MANE Select); coding-DNA position 48, C replaced by T.
Protein change: p.Ala16=; no amino-acid change (alanine 16 retained).
Molecular consequence: synonymous variant. On other transcripts: non-coding transcript variant (1).
Genome position (GRCh38, 1-based): chr18:79,069,458, C>T. VCF-style: chr18-79069458-C-T. GRCh37 (hg19) VCF-style: chr18-76829458-C-T.
Other names: c.48C>T, p.Ala16= (NM_001306085.2).
Identifiers: ClinVar variation 2648821 (VCV002648821.24), dbSNP rs141384028, ClinGen allele CA9007127.